The following is an entry in ClinVar:

NM_001394998.1(TANC2):c.2488A>G (p.Arg830Gly)

Gene: TANC2 (tetratricopeptide repeat, ankyrin repeat and coiled-coil containing 2; plus strand). Cytogenetic location: 17q23.3.
Variant type: single nucleotide variant.
Coding change: c.2488A>G on transcript NM_001394998.1 (MANE Select); coding-DNA position 2488, A replaced by G.
Protein change: p.Arg830Gly; replaces arginine 830 with glycine.
Molecular consequence: missense variant.
Genome position (GRCh38, 1-based): chr17:63,355,296, A>G. VCF-style: chr17-63355296-A-G. GRCh37 (hg19) VCF-style: chr17-61432657-A-G.
Other names: c.2266A>G, p.Arg756Gly (NM_001411076.1, NM_025185.4); short protein forms R756G, R830G.
Identifiers: ClinVar variation 5040512 (VCV005040512.1).

ClinVar aggregate classification (germline): Uncertain significance (1 of 4 stars; one submission).

Submission:

CeGaT Center for Human Genetics Tuebingen
Classification: Uncertain significance. Last evaluated: 2026-08-01. Review status: criteria provided, single submitter. Criteria: CeGaT Center For Human Genetics Tuebingen Variant Classification Criteria Version 2. Collection method: clinical testing. Allele origin: germline. Affected: yes. Observed: 1 variant allele.
Comment: TANC2: PM2